The following is an entry in ClinVar:

NM_000206.3(IL2RG):c.709T>C (p.Trp237Arg)

Gene: IL2RG (interleukin 2 receptor subunit gamma; minus strand). Cytogenetic location: Xq13.1.
Variant type: single nucleotide variant.
Coding change: c.709T>C on transcript NM_000206.3 (MANE Select); coding-DNA position 709, T replaced by C.
Protein change: p.Trp237Arg; replaces tryptophan 237 with arginine.
Molecular consequence: missense variant.
Genome position (GRCh38, 1-based): chrX:71,109,276, A>G on the plus strand (T>C on the coding strand, the complement: IL2RG is on the minus strand). VCF-style: chrX-71109276-A-G. GRCh37 (hg19) VCF-style: chrX-70329126-A-G.
Other names: c.709T>C, p.Trp237Arg (NM_001438870.1); short protein forms W237R.
Identifiers: ClinVar variation 4710795 (VCV004710795.1).
Genomic context (GRCh38, chrX:71,109,276, plus strand): 5'-GGCCCATTTTACCTTTTGAAGTATTGCTCCCCCAGTGGATTGGGTGGCTCCATTCACTCC[A>G]ATGCTGAGCACTTCCACAGAGTGGGTTAAAGCGGCTCCGAACACGAAACGTGTAGCGTTT-3'
Protein context (NP_000197.1, residues 227-247): FNPLCGSAQH[Trp237Arg]SEWSHPIHWG

ClinVar aggregate classification (germline): Pathogenic (1 of 4 stars; one submission).

Conditions:
X-linked severe combined immunodeficiency (SCIDX1). Also called: IMMUNODEFICIENCY 4; SCID, X-LINKED; SEVERE COMBINED IMMUNODEFICIENCY, X-LINKED, T CELL-NEGATIVE, B CELL-POSITIVE, NK CELL-NEGATIVE; X-Linked Combined Immunodeficiency Diseases; T-B+ severe combined immunodeficiency due to gamma chain deficiency. Identifiers: Orphanet 276, MedGen C6022468, MONDO:0010315, OMIM 300400. Disease mechanism: loss of function.

Submission:

Labcorp Genetics (formerly Invitae), Labcorp
Classification: Pathogenic for X-linked severe combined immunodeficiency. Last evaluated: 2025-08-31. Review status: criteria provided, single submitter. Criteria: Invitae Variant Classification Sherloc (09022015). Collection method: clinical testing. Allele origin: germline.
Comment: This sequence change replaces tryptophan, which is neutral and slightly polar, with arginine, which is basic and polar, at codon 237 of the IL2RG protein (p.Trp237Arg). This variant is not present in population databases (gnomAD no frequency). This missense change has been observed in individuals with clinical features of severe combined immunodeficiency (PMID: 10794430, 11260071, 35874699; internal data). Invitae Evidence Modeling of protein sequence and biophysical properties (such as structural, functional, and spatial information, amino acid conservation, physicochemical variation, residue mobility, and thermodynamic stability) indicates that this missense variant is expected to disrupt IL2RG protein function with a positive predictive value of 95%. For these reasons, this variant has been classified as Pathogenic.

Literature cited by the submitters: PubMed 10794430; PubMed 11260071; PubMed 35874699.